The following is an entry in ClinVar:

ClinVar aggregate classification (germline): Pathogenic/Likely pathogenic. Review status: criteria provided, multiple submitters, no conflicts (2 of 4 stars). 4 submissions from 4 submitters: Pathogenic (1); Likely pathogenic (3). Last evaluated 2025-09-13.

Conditions:
Glycine encephalopathy. Also called: Non-ketotic hyperglycinemia; Nonketotic hyperglycinemia. Identifiers: Orphanet 407, MedGen C0751748, MONDO:0011612, HP:0008288.
Glycine encephalopathy 1 (GCE1). Identifiers: MedGen CN376801, MONDO:0958179, OMIM 605899.

Allele frequency attached by ClinVar (database versions not stated): gnomAD exomes below 0.00001; TOPMed 0.00001.
gnomAD v4.1: 2 of 1,612,090 alleles (0.00012%); highest among the groups gnomAD compares: African/African-American, 0.0027%; no homozygotes.

Submissions (4):

Mayo Clinic Laboratories, Mayo Clinic
Classification: Likely pathogenic. Last evaluated: 2025-09-13. Review status: criteria provided, single submitter. Criteria: ACMG Guidelines, 2015. Collection method: clinical testing. Allele origin: germline. Observed: 1 variant allele.
Comment: PM2_supporting, PVS1

Natera, Inc.
Classification: Likely pathogenic for Non-ketotic hyperglycinemia. Last evaluated: 2024-09-26. Review status: criteria provided, single submitter. Criteria: Natera Variant Classification Schema (03/2026). Collection method: clinical testing. Allele origin: germline.
Comment: The c.2482C>T variant in GLDC is a nonsense variant predicted to introduce a stop codon at amino acid 828. This variant is expected to result in nonsense mediated decay, truncation, or a dysfunctional protein product. This variant is rare in the general population with a frequency below the threshold expected for the associated phenotype(s). Given the available evidence, this variant is classified as Likely Pathogenic.

Fulgent Genetics
Classification: Likely pathogenic for Glycine encephalopathy 1. Last evaluated: 2024-02-07. Review status: criteria provided, single submitter. Criteria: ACMG Guidelines, 2015. Collection method: clinical testing. Allele origin: germline.

Labcorp Genetics (formerly Invitae), Labcorp
Classification: Pathogenic for Glycine encephalopathy. Last evaluated: 2023-06-14. Review status: criteria provided, single submitter. Criteria: Invitae Variant Classification Sherloc (09022015). Collection method: clinical testing. Allele origin: germline.
Comment: ClinVar contains an entry for this variant (Variation ID: 1454491). This variant has not been reported in the literature in individuals affected with GLDC-related conditions. This variant is not present in population databases (gnomAD no frequency). This sequence change creates a premature translational stop signal (p.Gln828*) in the GLDC gene. It is expected to result in an absent or disrupted protein product. Loss-of-function variants in GLDC are known to be pathogenic (PMID: 16601880). For these reasons, this variant has been classified as Pathogenic.

Literature cited by the submitters: PubMed 16601880 (cited by Labcorp Genetics (formerly Invitae), Labcorp).

NM_000170.3(GLDC):c.2482C>T (p.Gln828Ter)

Gene: GLDC (glycine decarboxylase; minus strand). Cytogenetic location: 9p24.1.
Variant type: single nucleotide variant.
Coding change: c.2482C>T on transcript NM_000170.3 (MANE Select); coding-DNA position 2482, C replaced by T.
Protein change: p.Gln828Ter; replaces glutamine 828 with a stop codon.
Molecular consequence: nonsense.
Genome position (GRCh38, 1-based): chr9:6,550,890, G>A on the plus strand (C>T on the coding strand, the complement: GLDC is on the minus strand). VCF-style: chr9-6550890-G-A. GRCh37 (hg19) VCF-style: chr9-6550890-G-A.
Other names: p.Gln828*; c.2482C>T (NM_000170.2); short protein forms Q828*.
Identifiers: ClinVar variation 1454491 (VCV001454491.9), dbSNP rs1209943477, ClinGen allele CA372876483.